The following is an entry in ClinVar:

NM_001278716.2(FBXL4):c.1544G>A (p.Cys515Tyr)

Gene: FBXL4 (F-box and leucine rich repeat protein 4; minus strand). Cytogenetic location: 6q16.1.
Variant type: single nucleotide variant.
Coding change: c.1544G>A on transcript NM_001278716.2 (MANE Select); coding-DNA position 1544, G replaced by A.
Protein change: p.Cys515Tyr; replaces cysteine 515 with tyrosine.
Molecular consequence: missense variant. On other transcripts: non-coding transcript variant (1).
Genome position (GRCh38, 1-based): chr6:98,875,573, C>T on the plus strand (G>A on the coding strand, the complement: FBXL4 is on the minus strand). VCF-style: chr6-98875573-C-T. GRCh37 (hg19) VCF-style: chr6-99323449-C-T.
Other names: c.1544G>A, p.Cys515Tyr (NM_012160.5); short protein forms C515Y.
Identifiers: ClinVar variation 3254581 (VCV003254581.2), dbSNP rs1173159145.

ClinVar aggregate classification (germline): Uncertain significance (1 of 4 stars; one submission).

Conditions:
Mitochondrial DNA depletion syndrome 13. Also called: Mitochondrial DNA depletion syndrome 13 (encephalomyopathic type); FBXL4-Related Encephalomyopathic Mitochondrial DNA Depletion Syndrome. Identifiers: Orphanet 369897, MedGen C3809592, MONDO:0014198, OMIM 615471.

Submission:

Victorian Clinical Genetics Services, Murdoch Childrens Research Institute
Classification: Uncertain significance for Mitochondrial DNA depletion syndrome 13. Last evaluated: 2024-09-20. Review status: criteria provided, single submitter. Criteria: ACMG Guidelines, 2015. Collection method: clinical testing. Allele origin: germline. Inheritance: Autosomal recessive inheritance. Affected: yes.
Comment: Based on the classification scheme VCGS_Germline_v1.3.4, this variant is classified as VUS-3B. Following criteria are met: 0102 - Loss of function is a known mechanism of disease in this gene and is associated with mitochondrial DNA depletion syndrome 13 (encephalomyopathic type) (MIM#615471). (I) 0106 - This gene is associated with autosomal recessive disease. (I) 0115 - Variants in this gene are known to have variable expressivity. Affected individuals carrying the same variant have been reported to display clinical variability (PMID: 30804983). (I) 0200 - Variant is predicted to result in a missense amino acid change from cysteine to tyrosine. (I) 0251 - This variant is heterozygous. (I) 0301 - Variant is absent from gnomAD (both v2 and v3). (SP) 0309 - An alternative amino acid change at the same position has been observed in gnomAD (v2) (1 heterozygote, 0 homozygotes). (I) 0501 - Missense variant consistently predicted to be damaging by multiple in silico tools or highly conserved with a major amino acid change. (SP) 0600 - Variant is located in an annotated leucine rich repeat (NCBI). (I) 0705 - No comparable missense variants have previous evidence for pathogenicity. (I) 0807 - This variant has no previous evidence of pathogenicity. (I) 0905 - No published segregation evidence has been identified for this variant. (I) 1007 - No published functional evidence has been identified for this variant. (I) 1208 - Inheritance information for this variant is not currently available in this individual. (I) Legend: (SP) - Supporting pathogenic, (I) - Information, (SB) - Supporting benign

Literature cited by the submitters: PubMed 30804983.